The following is an entry in ClinVar:

ClinVar aggregate classification (germline): Uncertain significance (1 of 4 stars; one submission).

Conditions:
Early-onset myopathy with fatal cardiomyopathy (CMYO5). Also called: CONGENITAL MYOPATHY 5 WITH CARDIOMYOPATHY; Salih Myopathy. Identifiers: Orphanet 289377, MedGen C2673677, MONDO:0012714, OMIM 611705. Disease mechanism: loss of function.

Submission:

Victorian Clinical Genetics Services, Murdoch Childrens Research Institute
Classification: Uncertain significance for Early-onset myopathy with fatal cardiomyopathy. Last evaluated: 2022-09-02. Review status: criteria provided, single submitter. Criteria: ACMG Guidelines, 2015. Collection method: clinical testing. Allele origin: germline. Inheritance: Autosomal recessive inheritance. Affected: yes.
Comment: Based on the classification scheme VCGS_Germline_v1.3.4, this variant is classified as VUS-3C. Following criteria are met: 0102 - Loss of function is known mechanism of disease in this gene. In addition, dominant-negative is also a suggested mechanism (PMID: 25589632). (I) 0108 - This gene is associated with both recessive and dominant disease (OMIM). (I) 0112 - The condition associated with this gene has incomplete penetrance. Variants in this gene that result in a premature truncating codon (PTC) are known to have reduced penetrance in DCM (PMID: 25589632). (I) 0212 - Non-canonical splice site variant without proven consequence on splicing (no functional evidence available). (SP) 0251 - This variant is heterozygous. (I) 0301 - Variant is absent from gnomAD (both v2 and v3). (SP) 0506 - Abnormal splicing is not predicted and nucleotide is poorly conserved. (SB) 0600 - Variant is located near the annotated Z-disk, where adjacent exons have PSI scores of 100 (cardiodb). (I) 0705 - No comparable non-canonical splice variants have previous evidence for pathogenicity. (I) 0807 - This variant has no previous evidence of pathogenicity. (I) 0905 - No published segregation evidence has been identified for this variant. (I) 1007 - No published functional evidence has been identified for this variant. (I) 1208 - Inheritance information for this variant is not currently available in this individual. (I) Legend: (SP) - Supporting pathogenic, (I) - Information, (SB) - Supporting benign

Literature cited by the submitters: PubMed 25589632.

NM_001267550.2(TTN):c.3963+5A>C

Genes: TTN (titin; minus strand), LOC101927055 (uncharacterized LOC101927055; plus strand). Cytogenetic location: 2q31.2.
Variant type: single nucleotide variant.
Coding change: c.3963+5A>C on transcript NM_001267550.2 (MANE Select); 5 bases into the intron after coding-DNA position 3963, A replaced by C.
Molecular consequence: intron variant.
Genome position (GRCh38, 1-based): chr2:178,779,224, T>G on the plus strand (A>C on the coding strand, the complement: TTN is on the minus strand). VCF-style: chr2-178779224-T-G. GRCh37 (hg19) VCF-style: chr2-179643951-T-G.
Other names: c.3825+5A>C (NM_003319.4, NM_133437.4, NM_133432.3); c.3963+5A>C (NM_133378.4, NM_001256850.1, NM_133379.5).
Identifiers: ClinVar variation 3377504 (VCV003377504.1).